The following is an entry in ClinVar:

ClinVar aggregate classification (germline): Uncertain significance (1 of 4 stars; one submission).

Submission:

Labcorp Genetics (formerly Invitae), Labcorp
Classification: Uncertain significance. Last evaluated: 2024-05-18. Review status: criteria provided, single submitter. Criteria: Invitae Variant Classification Sherloc (09022015). Collection method: clinical testing. Allele origin: germline.
Comment: This sequence change replaces isoleucine, which is neutral and non-polar, with leucine, which is neutral and non-polar, at codon 1084 of the MPDZ protein (p.Ile1084Leu). This variant is not present in population databases (gnomAD no frequency). This missense change has been observed in individual(s) with clinical features of keratoconus (PMID: 29924831). An algorithm developed to predict the effect of missense changes on protein structure and function (PolyPhen-2) suggests that this variant is likely to be tolerated. In summary, the available evidence is currently insufficient to determine the role of this variant in disease. Therefore, it has been classified as a Variant of Uncertain Significance.

Literature cited by the submitters: PubMed 29924831.

NM_001378778.1(MPDZ):c.3250A>C (p.Ile1084Leu)

Gene: MPDZ (multiple PDZ domain crumbs cell polarity complex component; minus strand). Cytogenetic location: 9p23.
Variant type: single nucleotide variant.
Coding change: c.3250A>C on transcript NM_001378778.1 (MANE Select); coding-DNA position 3250, A replaced by C.
Protein change: p.Ile1084Leu; replaces isoleucine 1084 with leucine.
Molecular consequence: missense variant.
Genome position (GRCh38, 1-based): chr9:13,168,370, T>G on the plus strand (A>C on the coding strand, the complement: MPDZ is on the minus strand). VCF-style: chr9-13168370-T-G. GRCh37 (hg19) VCF-style: chr9-13168369-T-G.
Other names: c.3250A>C, p.Ile1084Leu (NM_001261406.2, NM_001261407.2, NM_001330637.2 and 14 more transcripts); short protein forms I1084L.
Identifiers: ClinVar variation 3706371 (VCV003706371.2).